The following is an entry in ClinVar:

ClinVar aggregate classification (germline): Uncertain significance. Review status: criteria provided, multiple submitters, no conflicts (2 of 4 stars). 2 submissions from 2 submitters: Uncertain significance (2). Last evaluated 2025-06-03.

Allele frequency attached by ClinVar (database versions not stated): gnomAD 0.00002; TOPMed 0.00003; ESP Exome Variant Server 0.00008.
gnomAD v4.1: 30 of 1,598,110 alleles (0.0019%); highest among the groups gnomAD compares: East Asian, 0.0068%; no homozygotes.

Submissions (2):

Ambry Genetics
Classification: Uncertain significance. Last evaluated: 2025-06-03. Review status: criteria provided, single submitter. Criteria: Ambry Variant Classification Scheme 2023. Collection method: clinical testing. Allele origin: germline.

Labcorp Genetics (formerly Invitae), Labcorp
Classification: Uncertain significance. Last evaluated: 2025-04-01. Review status: criteria provided, single submitter. Criteria: Invitae Variant Classification Sherloc (09022015). Collection method: clinical testing. Allele origin: germline.
Comment: This sequence change replaces valine, which is neutral and non-polar, with isoleucine, which is neutral and non-polar, at codon 813 of the PLEKHM2 protein (p.Val813Ile). The frequency data for this variant in the population databases is considered unreliable, as metrics indicate poor data quality at this position in the gnomAD database. This variant has not been reported in the literature in individuals affected with PLEKHM2-related conditions. ClinVar contains an entry for this variant (Variation ID: 999595). An algorithm developed to predict the effect of missense changes on protein structure and function (PolyPhen-2) suggests that this variant is likely to be tolerated. In summary, the available evidence is currently insufficient to determine the role of this variant in disease. Therefore, it has been classified as a Variant of Uncertain Significance.

NM_015164.4(PLEKHM2):c.2437G>A (p.Val813Ile)

Gene: PLEKHM2 (pleckstrin homology and RUN domain containing M2; plus strand). Cytogenetic location: 1p36.21.
Variant type: single nucleotide variant.
Coding change: c.2437G>A on transcript NM_015164.4 (MANE Select); coding-DNA position 2437, G replaced by A.
Protein change: p.Val813Ile; replaces valine 813 with isoleucine.
Molecular consequence: missense variant.
Genome position (GRCh38, 1-based): chr1:15,731,229, G>A. VCF-style: chr1-15731229-G-A. GRCh37 (hg19) VCF-style: chr1-16057724-G-A.
Other names: c.2437G>A (NM_015164.2); short protein forms V813I.
Identifiers: ClinVar variation 999595 (VCV000999595.8), dbSNP rs373111686, ClinGen allele CA18268057.